The following is an entry in ClinVar:

NM_005343.4(HRAS):c.34G>C (p.Gly12Arg)

Genes: HRAS (HRas proto-oncogene, GTPase; minus strand), LRRC56 (leucine rich repeat containing 56; plus strand). Cytogenetic location: 11p15.5.
Variant type: single nucleotide variant.
Coding change: c.34G>C on transcript NM_005343.4 (MANE Select); coding-DNA position 34, G replaced by C.
Protein change: p.Gly12Arg; replaces glycine 12 with arginine.
Molecular consequence: missense variant. On other transcripts: 5 prime UTR variant (1).
Genome position (GRCh38, 1-based): chr11:534,289, C>G on the plus strand (G>C on the coding strand, the complement: HRAS is on the minus strand). VCF-style: chr11-534289-C-G. GRCh37 (hg19) VCF-style: chr11-534289-C-G.
Other names: c.34G>C, p.Gly12Arg (NM_001130442.3, NM_176795.5); c.-286G>C (NM_001318054.2); short protein forms G12R.
Identifiers: ClinVar variation 375961 (VCV000375961.2), dbSNP rs104894229, ClinGen allele CA16602439.

ClinVar aggregate classification (germline): Likely pathogenic (1 of 4 stars; one submission).

Conditions:
Costello syndrome (CSTLO). Also called: FACIOCUTANEOSKELETAL SYNDROME; FCS SYNDROME; HRAS-Related Costello Syndrome. Identifiers: Orphanet 3071, MedGen C0587248, MONDO:0009026, OMIM 218040.

Submission:

Women's Health and Genetics/Laboratory Corporation of America, LabCorp
Classification: Likely pathogenic for Costello syndrome. Last evaluated: 2022-04-25. Review status: criteria provided, single submitter. Criteria: LabCorp Variant Classification Summary - May 2015. Collection method: clinical testing. Allele origin: germline.
Comment: Variant summary: HRAS c.34G>C (p.Gly12Arg) results in a non-conservative amino acid change located in the Small GTP-binding protein domain of the encoded protein sequence. Five of five in-silico tools predict a damaging effect of the variant on protein function. The variant was absent in 250294 control chromosomes. c.34G>C has been reported in the literature in at least one individual with precocious puberty in mosaic state and in a large number of tumor samples in somatic state. At least one publication reports experimental evidence evaluating an impact on protein function and showed that this variant resulted in increased potency in focus induction and cell growth. No clinical diagnostic laboratories have submitted clinical-significance assessments for this variant in germline to ClinVar after 2014. However, many other variants affecting Gly12 have been classified as pathgoenic by our laboratories and other clinical laboratories. Based on the evidence outlined above, the variant was classified as likely pathogenic.

Literature cited by the submitters: PubMed 3018526; PubMed 28489335.